The following is an entry in ClinVar:

NM_000548.5(TSC2):c.4013_4014del (p.Ser1338fs)

Gene: TSC2 (TSC complex subunit 2; plus strand). Cytogenetic location: 16p13.3.
Variant type: Deletion.
Coding change: c.4013_4014del on transcript NM_000548.5 (MANE Select); coding-DNA positions 4013 to 4014, 2 bases deleted (CA; older notation c.4013_4014delCA).
Protein change: p.Ser1338fs; shifts the reading frame from serine 1338.
Molecular consequence: frameshift variant.
Genome position (GRCh38, 1-based): chr16:2,084,235-2,084,236, CA deleted. VCF-style (leftmost placement, unchanged base first): chr16-2084234-TCA-T. GRCh37 (hg19) VCF-style: chr16-2134235-TCA-T.
Other names: c.3812_3813del, p.Ser1271fs (NM_001077183.3); c.3944_3945del, p.Ser1315fs (NM_001114382.3); c.3704_3705del, p.Ser1235fs (NM_001318827.2); c.3668_3669del, p.Ser1223fs (NM_001318829.2); c.3281_3282del, p.Ser1094fs (NM_001318831.2); c.3845_3846del, p.Ser1282fs (NM_001318832.2); c.3815_3816del, p.Ser1272fs (NM_001363528.2); c.3881_3882del, p.Ser1294fs (NM_001370404.1); and 1 more; short protein forms S1094fs, S1223fs, S1235fs, S1271fs, S1272fs, S1282fs, S1294fs, S1295fs.
Identifiers: ClinVar variation 1070034 (VCV001070034.8), dbSNP rs2151520497, ClinGen allele CA2499223335.

ClinVar aggregate classification (germline): Pathogenic/Likely pathogenic. Review status: criteria provided, multiple submitters, no conflicts (2 of 4 stars). 3 submissions from 3 submitters: Pathogenic (2); Likely pathogenic (1). Last evaluated 2025-11-14.

Conditions:
Tuberous sclerosis 2 (TSC2). Identifiers: Orphanet 805, MedGen C1860707, MONDO:0013199, OMIM 613254.
TSC2-related disorder. Also called: TSC2-related condition; TSC2-Related Disorders.

Submissions (3):

Clinical Genomics Laboratory, Washington University in St. Louis
Classification: Pathogenic for Tuberous sclerosis 2. Last evaluated: 2025-11-14. Review status: criteria provided, single submitter. Criteria: Leon-Quintero et al. (Clin Genet. 2025). Collection method: clinical testing. Allele origin: somatic. Affected: yes.
Comment: A TSC2 c.4013_4014del (p.Ser1338Cysfs*75) variant was identified at an allelic fraction consistent with somatic origin. This variant has been reported in several individuals affected with tuberous sclerosis (Au KS et al., PMID: 17304050; Jones AC et al., PMID: 10205261; Pan Y et al., PMID: 28302202). It has been reported in the ClinVar database as a germline pathogenic variant in tuberous sclerosis 2 by one submitter (Variation ID: 1070034). It is absent from the general population (gnomAD v4.1.0), indicating it is not a common variant. It causes a frameshift by deleting 2 nucleotides, leading to a premature termination codon, which is predicted to lead to nonsense-mediated decay. Based on available information and an internally developed protocol informed by the ACMG/AMP guidelines for variant interpretation and gene-specific practices from the ClinGen Criteria Specification Registry (Leon-Quintero FZ et al., PMID: 39434542), the TSC2 c.4013_4014del (p.Ser1338Cysfs*75) variant is classified as pathogenic.

Labcorp Genetics (formerly Invitae), Labcorp
Classification: Pathogenic for Tuberous sclerosis 2. Last evaluated: 2025-01-29. Review status: criteria provided, single submitter. Criteria: Invitae Variant Classification Sherloc (09022015). Collection method: clinical testing. Allele origin: germline.
Comment: This sequence change creates a premature translational stop signal (p.Ser1338Cysfs*75) in the TSC2 gene. It is expected to result in an absent or disrupted protein product. Loss-of-function variants in TSC2 are known to be pathogenic (PMID: 10205261, 17304050). This variant is not present in population databases (gnomAD no frequency). This premature translational stop signal has been observed in individual(s) with tuberous sclerosis complex (PMID: 28302202). ClinVar contains an entry for this variant (Variation ID: 1070034). Algorithms developed to predict the effect of sequence changes on RNA splicing suggest that this variant may create or strengthen a splice site. For these reasons, this variant has been classified as Pathogenic.

Blueprint Genetics
Classification: Likely pathogenic for TSC2-related disorders. Last evaluated: 2022-07-08. Review status: criteria provided, single submitter. Criteria: ACMG Guidelines, 2015. Collection method: clinical testing. Allele origin: germline. Affected: yes. Observed: 1 variant allele.

Literature cited by the submitters: PubMed 10205261 (cited by Labcorp Genetics (formerly Invitae), Labcorp); PubMed 17304050 (cited by Labcorp Genetics (formerly Invitae), Labcorp); PubMed 28302202 (cited by Labcorp Genetics (formerly Invitae), Labcorp).